The following is an entry in ClinVar:

ClinVar aggregate classification (germline): Pathogenic (1 of 4 stars; one submission).

Conditions:
Combined immunodeficiency due to LRBA deficiency. Also called: Common variable immunodeficiency 8, with autoimmunity. Identifiers: Orphanet 445018, MedGen C3553512, MONDO:0013863, OMIM 614700.

Submission:

Labcorp Genetics (formerly Invitae), Labcorp
Classification: Pathogenic for Combined immunodeficiency due to LRBA deficiency. Last evaluated: 2021-04-23. Review status: criteria provided, single submitter. Criteria: Invitae Variant Classification Sherloc (09022015). Collection method: clinical testing. Allele origin: germline.
Comment: This sequence change creates a premature translational stop signal (p.Asn163Ilefs*2) in the LRBA gene. It is expected to result in an absent or disrupted protein product. Loss-of-function variants in LRBA are known to be pathogenic (PMID: 26206937, 26768763). This variant is not present in population databases (ExAC no frequency). This variant has not been reported in the literature in individuals with LRBA-related conditions. For these reasons, this variant has been classified as Pathogenic.

Literature cited by the submitters: PubMed 26206937; PubMed 26768763.

NM_001364905.1(LRBA):c.488del (p.Asn163fs)

Gene: LRBA (LPS responsive beige-like anchor protein; minus strand). Cytogenetic location: 4q31.3.
Variant type: Deletion.
Coding change: c.488del on transcript NM_001364905.1 (MANE Select); coding-DNA position 488, one base deleted (A; older notation c.488delA).
Protein change: p.Asn163fs; shifts the reading frame from asparagine 163.
Molecular consequence: frameshift variant.
Genome position (GRCh38, 1-based): chr4:150,928,577, T deleted on the plus strand (A on the coding strand, the reverse complement: LRBA is on the minus strand); the first of 2 consecutive T bases (chr4:150,928,577-150,928,578); deleting either gives the same sequence. VCF-style (leftmost placement, unchanged base first): chr4-150928576-AT-A. GRCh37 (hg19) VCF-style: chr4-151849728-AT-A.
Other names: c.487delA, p.Asn163Ilefs (NM_001199282.3, NM_006726.5); c.488del, p.Asn163fs (NM_001367550.1); short protein forms N163fs.
Identifiers: ClinVar variation 1424023 (VCV001424023.1), dbSNP rs2149508349, ClinGen allele CA2573138106.
Genomic context (GRCh38, chr4:150,928,576, plus strand): 5'-CCATCGTCCTTTATCTCCTTGAAGTTTACTGAAGAAAAGCTTTAGCTCGCGAACTGTCAA[AT>A]TATAGCTAGCCAGCACTCCCAACATGTCAACCAAAAGATCTGGAAACAAAAGAAAACGAT-3'